The following is an entry in ClinVar:

NM_005630.3(SLCO2A1):c.1660G>A (p.Gly554Arg)

Gene: SLCO2A1 (solute carrier organic anion transporter family member 2A1; minus strand). Cytogenetic location: 3q22.1.
Variant type: single nucleotide variant.
Coding change: c.1660G>A on transcript NM_005630.3 (MANE Select); coding-DNA position 1660, G replaced by A.
Protein change: p.Gly554Arg; replaces glycine 554 with arginine.
Molecular consequence: missense variant.
Genome position (GRCh38, 1-based): chr3:133,938,459, C>T on the plus strand (G>A on the coding strand, the complement: SLCO2A1 is on the minus strand). VCF-style: chr3-133938459-C-T. GRCh37 (hg19) VCF-style: chr3-133657303-C-T.
Other names: short protein forms G554R.
Identifiers: ClinVar variation 1174124 (VCV001174124.6), dbSNP rs1177054873, ClinGen allele CA354615555.

ClinVar aggregate classification (germline): Pathogenic. Review status: criteria provided, single submitter (1 of 4 stars). 3 submissions from 2 submitters: Pathogenic (1). 2 of the submissions do not count toward it. Last evaluated 2025-09-02.

Conditions:
Hypertrophic osteoarthropathy, primary, autosomal recessive, 2 (PHOAR2E). Also called: PHOAR2-enteropathy syndrome; PACHYDERMOPERIOSTOSIS, AUTOSOMAL RECESSIVE; PDP, AUTOSOMAL RECESSIVE; HYPERTROPHIC OSTEOARTHROPATHY, PRIMARY, AUTOSOMAL RECESSIVE, 2/ENTEROPATHY SYNDROME. Identifiers: Orphanet 2796, MedGen C3280800, MONDO:0013756, OMIM 614441.
Hypertrophic osteoarthropathy, primary, autosomal dominant. Also called: PHOAD; PACHYDERMOPERIOSTOSIS, AUTOSOMAL DOMINANT; PDP, AUTOSOMAL DOMINANT; PHO, AUTOSOMAL DOMINANT. Identifiers: Orphanet 2796, MedGen C2674695, MONDO:0008172, OMIM 167100.

Allele frequency attached by ClinVar (database versions not stated): gnomAD 0.00001; gnomAD exomes 0.00001 and 0.00002; TOPMed 0.00001.
gnomAD v4.1: 18 of 1,613,986 alleles (0.0011%); highest among the groups gnomAD compares: South Asian, 0.0044%; no homozygotes.

Submissions (3):

Labcorp Genetics (formerly Invitae), Labcorp
Classification: Pathogenic. Last evaluated: 2025-09-02. Review status: criteria provided, single submitter. Criteria: Invitae Variant Classification Sherloc (09022015). Collection method: clinical testing. Allele origin: germline.
Comment: This sequence change replaces glycine, which is neutral and non-polar, with arginine, which is basic and polar, at codon 554 of the SLCO2A1 protein (p.Gly554Arg). This variant is present in population databases (no rsID available, gnomAD 0.003%). This missense change has been observed in individual(s) with clinical features of autosomal recessive SLCO2A1-related conditions (PMID: 33852188). In at least one individual the data is consistent with being in trans (on the opposite chromosome) from a pathogenic variant. It has also been observed to segregate with disease in related individuals. ClinVar contains an entry for this variant (Variation ID: 1174124). Invitae Evidence Modeling of protein sequence and biophysical properties (such as structural, functional, and spatial information, amino acid conservation, physicochemical variation, residue mobility, and thermodynamic stability) indicates that this missense variant is expected to disrupt SLCO2A1 protein function with a positive predictive value of 95%. For these reasons, this variant has been classified as Pathogenic.

OMIM
Classification: Pathogenic for HYPERTROPHIC OSTEOARTHROPATHY, PRIMARY, AUTOSOMAL DOMINANT. Last evaluated: 2024-02-13. Review status: no assertion criteria provided. Collection method: literature only. Allele origin: germline. Not counted in ClinVar's aggregate classification.

OMIM
Classification: Pathogenic for PHOAR2-ENTEROPATHY SYNDROME. Last evaluated: 2024-02-13. Review status: no assertion criteria provided. Collection method: literature only. Allele origin: germline. Not counted in ClinVar's aggregate classification.

Literature cited by the submitters: PubMed 33852188 (cited by Labcorp Genetics (formerly Invitae), Labcorp and OMIM); PubMed 28425581 (cited by OMIM).